The following is an entry in ClinVar:

NM_001042492.3(NF1):c.2908A>T (p.Asn970Tyr)

Gene: NF1 (neurofibromin 1; plus strand). Cytogenetic location: 17q11.2.
Variant type: single nucleotide variant.
Coding change: c.2908A>T on transcript NM_001042492.3 (MANE Select); coding-DNA position 2908, A replaced by T.
Protein change: p.Asn970Tyr; replaces asparagine 970 with tyrosine.
Molecular consequence: missense variant.
Genome position (GRCh38, 1-based): chr17:31,229,892, A>T. VCF-style: chr17-31229892-A-T. GRCh37 (hg19) VCF-style: chr17-29556910-A-T.
Other names: c.2908A>T, p.Asn970Tyr (NM_000267.4); short protein forms N970Y.
Identifiers: ClinVar variation 2083588 (VCV002083588.5), dbSNP rs2151430634, ClinGen allele CA398986158.

ClinVar aggregate classification (germline): Uncertain significance. Review status: criteria provided, multiple submitters, no conflicts (2 of 4 stars). 2 submissions from 2 submitters: Uncertain significance (2). Last evaluated 2026-07-01.

Conditions:
Neurofibromatosis, type 1 (NF1). Also called: NEUROFIBROMATOSIS, TYPE I, SOMATIC; Peripheral type neurofibromatosis; VON RECKLINGHAUSEN DISEASE; Neurofibromatosis, type I. Identifiers: Orphanet 636, MedGen C0027831, MONDO:0018975, OMIM 162200. Disease mechanism: loss of function.
Hereditary cancer-predisposing syndrome. Also called: Tumor predisposition; Hereditary Cancer Syndrome; Hereditary neoplastic syndrome; Neoplastic Syndromes, Hereditary. Identifiers: Orphanet 140162, MedGen C0027672, MeSH D009386, MONDO:0015356.
Cardiovascular phenotype. Identifiers: MedGen CN230736.

Submissions (2):

Ambry Genetics
Classification: Uncertain significance for Cardiovascular phenotype; Hereditary cancer-predisposing syndrome. Last evaluated: 2026-07-01. Review status: criteria provided, single submitter. Criteria: Ambry Variant Classification Scheme 2023. Collection method: clinical testing. Allele origin: germline.
Comment: The p.N970Y variant (also known as c.2908A>T), located in coding exon 22 of the NF1 gene, results from an A to T substitution at nucleotide position 2908. The asparagine at codon 970 is replaced by tyrosine, an amino acid with dissimilar properties. This amino acid position is highly conserved in available vertebrate species. In addition, this alteration is predicted to be deleterious by in silico analysis. Based on the available evidence, the clinical significance of this variant remains unclear.

Labcorp Genetics (formerly Invitae), Labcorp
Classification: Uncertain significance for Neurofibromatosis, type 1. Last evaluated: 2024-04-11. Review status: criteria provided, single submitter. Criteria: Invitae Variant Classification Sherloc (09022015). Collection method: clinical testing. Allele origin: germline.
Comment: This sequence change replaces asparagine, which is neutral and polar, with tyrosine, which is neutral and polar, at codon 970 of the NF1 protein (p.Asn970Tyr). This variant is not present in population databases (gnomAD no frequency). This variant has not been reported in the literature in individuals affected with NF1-related conditions. ClinVar contains an entry for this variant (Variation ID: 2083588). Advanced modeling of protein sequence and biophysical properties (such as structural, functional, and spatial information, amino acid conservation, physicochemical variation, residue mobility, and thermodynamic stability) performed at Invitae indicates that this missense variant is expected to disrupt NF1 protein function with a positive predictive value of 95%. In summary, the available evidence is currently insufficient to determine the role of this variant in disease. Therefore, it has been classified as a Variant of Uncertain Significance.